The following is an entry in ClinVar:

ClinVar aggregate classification (germline): Likely benign. Review status: criteria provided, multiple submitters, no conflicts (2 of 4 stars). 2 submissions from 2 submitters: Likely benign (2). Last evaluated 2025-11-01.

Conditions:
Bethlem myopathy 1A. Also called: Bethlem myopathy 1; Bethlem Muscular Dystrophy; MYOPATHY, BENIGN CONGENITAL, WITH CONTRACTURES. Identifiers: Orphanet 610, MedGen CN029274, MONDO:0024530, OMIM 158810.

Allele frequency attached by ClinVar (database versions not stated): ExAC 0.00004; gnomAD exomes 0.00005; gnomAD 0.00007 and 0.00009; ESP Exome Variant Server 0.00008; TOPMed 0.00008.
gnomAD v4.1: 64 of 1,613,294 alleles (0.004%); highest among the groups gnomAD compares: East Asian, 0.0045%; no homozygotes.

Submissions (2):

CeGaT Center for Human Genetics Tuebingen
Classification: Likely benign. Last evaluated: 2025-11-01. Review status: criteria provided, single submitter. Criteria: CeGaT Center For Human Genetics Tuebingen Variant Classification Criteria Version 2. Collection method: clinical testing. Allele origin: germline. Affected: yes. Observed: 1 variant allele.
Comment: COL6A3: BP4, BP7

Labcorp Genetics (formerly Invitae), Labcorp
Classification: Likely benign for Bethlem myopathy 1A. Last evaluated: 2025-10-02. Review status: criteria provided, single submitter. Criteria: Invitae Variant Classification Sherloc (09022015). Collection method: clinical testing. Allele origin: germline.

NM_004369.4(COL6A3):c.8022C>T (p.Ser2674=)

Gene: COL6A3 (collagen type VI alpha 3 chain; minus strand). Cytogenetic location: 2q37.3.
Variant type: single nucleotide variant.
Coding change: c.8022C>T on transcript NM_004369.4 (MANE Select); coding-DNA position 8022, C replaced by T.
Protein change: p.Ser2674=; no amino-acid change (serine 2674 retained).
Molecular consequence: synonymous variant.
Genome position (GRCh38, 1-based): chr2:237,340,894, G>A on the plus strand (C>T on the coding strand, the complement: COL6A3 is on the minus strand). VCF-style: chr2-237340894-G-A. GRCh37 (hg19) VCF-style: chr2-238249537-G-A.
Other names: c.6201C>T, p.Ser2067= (NM_057166.5); c.7404C>T, p.Ser2468= (NM_057167.4).
Identifiers: ClinVar variation 1139296 (VCV001139296.14), dbSNP rs149403952, ClinGen allele CA2187641.